The following is an entry in ClinVar:

NM_000051.4(ATM):c.3383A>G (p.Gln1128Arg)

Gene: ATM (ATM serine/threonine kinase; plus strand). Cytogenetic location: 11q22.3.
Variant type: single nucleotide variant.
Coding change: c.3383A>G on transcript NM_000051.4 (MANE Select); coding-DNA position 3383, A replaced by G.
Protein change: p.Gln1128Arg; replaces glutamine 1128 with arginine.
Molecular consequence: missense variant.
Genome position (GRCh38, 1-based): chr11:108,279,589, A>G. VCF-style: chr11-108279589-A-G. GRCh37 (hg19) VCF-style: chr11-108150316-A-G.
Other names: p.Q1128R:CAG>CGG; NP_000042.3:p.Gln1128Arg; c.3383A>G, p.Gln1128Arg (NM_001351834.2); short protein forms Q1128R.
Identifiers: ClinVar variation 133615 (VCV000133615.57), dbSNP rs2229020, ClinGen allele CA157104.

ClinVar aggregate classification (germline): Benign/Likely benign. Review status: criteria provided, multiple submitters, no conflicts (2 of 4 stars). 27 submissions from 27 submitters: Benign (12); Likely benign (7). 8 of the submissions do not count toward it. Last evaluated 2026-09-01.

Conditions:
Hereditary cancer-predisposing syndrome. Also called: Neoplastic Syndromes, Hereditary; Tumor predisposition; Hereditary neoplastic syndrome; Hereditary Cancer Syndrome. Identifiers: Orphanet 140162, MedGen C0027672, MeSH D009386, MONDO:0015356.
Ataxia-telangiectasia syndrome (AT). Also called: Ataxia-telangiectasia, complementation group D; AT, COMPLEMENTATION GROUP C; Ataxia telangiectasia (A-T); LOUIS-BAR SYNDROME; Cerebello-oculocutaneous telangiectasia; Immunodeficiency with ataxia telangiectasia. Identifiers: Orphanet 100, MedGen C0004135, MONDO:0008840, OMIM 208900.
Familial cancer of breast. Also called: Hereditary breast cancer; hereditary breast carcinoma; BREAST CANCER, FAMILIAL. Identifiers: Orphanet 227535, MedGen C0346153, MONDO:0016419, OMIM 114480. Disease mechanism: loss of function.
Hereditary breast ovarian cancer syndrome. Also called: Breast and ovarian cancer; BRCA1- and BRCA2-Associated Hereditary Breast and Ovarian Cancer; Hereditary breast and/or ovarian cancer syndrome; Hereditary breast and ovarian cancer syndrome; Hereditary breast and ovarian cancer; Hereditary breast and ovarian cancer syndrome (HBOC). Identifiers: Orphanet 145, MedGen C0677776, MeSH D061325, MONDO:0003582. Disease mechanism: loss of function.
Malignant tumor of breast. Also called: Malignant breast neoplasm; Cancer breast. Identifiers: MedGen C0006142, MONDO:0007254. Disease mechanism: loss of function.

Allele frequency attached by ClinVar (database versions not stated): gnomAD exomes 0.00060 and 0.00174; ExAC 0.00218; gnomAD 0.00600 and 0.00636; TOPMed 0.00703; ESP Exome Variant Server 0.00723; 1000 Genomes Project 0.00759; 1000 Genomes Project 30x 0.00796.

Submissions (27):

CeGaT Center for Human Genetics Tuebingen
Classification: Likely benign. Last evaluated: 2026-09-01. Review status: criteria provided, single submitter. Criteria: CeGaT Center For Human Genetics Tuebingen Variant Classification Criteria Version 2. Collection method: clinical testing. Allele origin: germline. Affected: yes. Observed: 6 variant alleles.
Comment: ATM: BP4, BS1

Labcorp Genetics (formerly Invitae), Labcorp
Classification: Benign for Ataxia-telangiectasia syndrome. Last evaluated: 2026-02-03. Review status: criteria provided, single submitter. Criteria: Invitae Variant Classification Sherloc (09022015). Collection method: clinical testing. Allele origin: germline.

Center for Genomic Medicine, Rigshospitalet, Copenhagen University Hospital
Classification: Benign. Last evaluated: 2025-03-04. Review status: criteria provided, single submitter. Criteria: ACMG Guidelines, 2015. Collection method: clinical testing. Allele origin: germline.

Athena Diagnostics
Classification: Benign. Last evaluated: 2024-07-05. Review status: criteria provided, single submitter. Criteria: Athena Diagnostics Criteria. Collection method: clinical testing. Allele origin: unknown.

Myriad Genetics, Inc.
Classification: Benign for Familial cancer of breast. Last evaluated: 2024-05-14. Review status: criteria provided, single submitter. Criteria: Myriad Autosomal Dominant, Autosomal Recessive and X-Linked Classification Criteria (2023). Collection method: clinical testing. Allele origin: unknown.
Comment: This variant is considered benign. This variant is strongly associated with less severe personal and family histories of cancer, typical for individuals without pathogenic variants in this gene [PMID: 25085752]. This variant has been observed at a population frequency that is significantly greater than expected given the associated disease prevalence and penetrance.

ARUP Laboratories, Molecular Genetics and Genomics, ARUP Laboratories
Classification: Likely benign. Last evaluated: 2024-05-01. Review status: criteria provided, single submitter. Criteria: ARUP Molecular Germline Variant Investigation Process 2024. Collection method: clinical testing. Allele origin: germline.

KCCC/NGS Laboratory, Kuwait Cancer Control Center
Classification: Benign for Familial cancer of breast. Last evaluated: 2023-07-07. Review status: criteria provided, single submitter. Criteria: ACMG Guidelines, 2015. Collection method: clinical testing. Allele origin: germline. Affected: yes.

Fulgent Genetics
Classification: Likely benign for Familial cancer of breast; Ataxia-telangiectasia syndrome. Last evaluated: 2022-05-18. Review status: criteria provided, single submitter. Criteria: ACMG Guidelines, 2015. Collection method: clinical testing. Allele origin: unknown.

National Health Laboratory Service, Universitas Academic Hospital and University of the Free State
Classification: Likely benign for Hereditary breast ovarian cancer syndrome. Last evaluated: 2022-04-19. Review status: criteria provided, single submitter. Criteria: ACMG Guidelines, 2015. Collection method: clinical testing. Allele origin: germline. Affected: yes. Observed: 3 variant alleles.

Sema4
Classification: Benign for Hereditary cancer-predisposing syndrome. Last evaluated: 2020-01-30. Review status: criteria provided, single submitter. Criteria: Sema4 Curation Guidelines. Collection method: curation. Allele origin: germline.

Mayo Clinic Laboratories, Mayo Clinic
Classification: Benign. Last evaluated: 2019-02-13. Review status: criteria provided, single submitter. Criteria: ACMG Guidelines, 2015. Collection method: clinical testing. Allele origin: germline. Observed: 10 variant alleles.

GeneDx
Classification: Benign. Last evaluated: 2019-01-16. Review status: criteria provided, single submitter. Criteria: GeneDx Variant Classification Process June 2021. Collection method: clinical testing. Allele origin: germline. Affected: yes.
Comment: This variant is associated with the following publications: (PMID: 17333338, 20981092, 22529920, 11996792, 24728327, 25122203, 22071889, 21933854)

Illumina Laboratory Services, Illumina
Classification: Likely benign for Ataxia-telangiectasia syndrome. Last evaluated: 2017-04-27. Review status: criteria provided, single submitter. Criteria: ICSL Variant Classification Criteria 13 December 2019. Collection method: clinical testing. Allele origin: germline.
Comment: This variant was observed as part of a predisposition screen in an ostensibly healthy population. A literature search was performed for the gene, cDNA change, and amino acid change (where applicable). Publications were found based on this search. The evidence from the literature, in combination with allele frequency data from public databases where available, was sufficient to determine this variant is unlikely to cause disease. Therefore, this variant is classified as likely benign.

Institute for Biomarker Research, Medical Diagnostic Laboratories, L.L.C.
Classification: Likely benign for Hereditary cancer-predisposing syndrome. Last evaluated: 2017-02-14. Review status: criteria provided, single submitter. Criteria: ACMG Guidelines, 2015. Collection method: clinical testing. Allele origin: germline.

PreventionGenetics, part of Exact Sciences
Classification: Benign. Last evaluated: 2016-12-12. Review status: criteria provided, single submitter. Criteria: ACMG Guidelines, 2015. Collection method: clinical testing. Allele origin: germline.

Center for Pediatric Genomic Medicine, Children's Mercy Hospital and Clinics
Classification: Likely benign. Last evaluated: 2016-04-28. Review status: criteria provided, single submitter. Criteria: ACMG Guidelines, 2015. Collection method: clinical testing. Allele origin: germline.
ClinVar note: Converted during submission from Likely Benign to Likely benign.

Eurofins Ntd Llc (ga)
Classification: Benign. Last evaluated: 2016-02-29. Review status: criteria provided, single submitter. Criteria: EGL Classification Definitions 2015. Collection method: clinical testing. Allele origin: germline. Observed: 1 variant allele, 1 heterozygote.

Color Diagnostics, LLC DBA Color Health
Classification: Benign for Hereditary cancer-predisposing syndrome. Last evaluated: 2015-03-05. Review status: criteria provided, single submitter. Criteria: ACMG Guidelines, 2015. Collection method: clinical testing. Allele origin: germline.

Ambry Genetics
Classification: Benign for Hereditary cancer-predisposing syndrome. Last evaluated: 2014-11-20. Review status: criteria provided, single submitter. Criteria: Ambry Variant Classification Scheme 2023. Collection method: clinical testing. Allele origin: germline.

Natera, Inc.
Classification: Benign for Ataxia-telangiectasia. Last evaluated: 2020-04-17. Review status: no assertion criteria provided. Collection method: clinical testing. Allele origin: germline. Not counted in ClinVar's aggregate classification.

Counsyl
Classification: Likely benign for Ataxia-telangiectasia syndrome. Last evaluated: 2018-04-11. Review status: no assertion criteria provided. Collection method: clinical testing. Allele origin: unknown. Not counted in ClinVar's aggregate classification.

ITMI
No classification provided. Condition: AllHighlyPenetrant. Last evaluated: 2013-09-19. Review status: no classification provided. Collection method: reference population. Allele origin: germline. Not counted in ClinVar's aggregate classification.
Comment: Please see associated publication for description of ethnicities

Clinical Genetics DNA and cytogenetics Diagnostics Lab, Erasmus MC, Erasmus Medical Center
Classification: Benign. Review status: no assertion criteria provided. Collection method: clinical testing. Allele origin: germline. Affected: yes. Study: VKGL Data-share Consensus. Not counted in ClinVar's aggregate classification.

Clinical Genetics Laboratory, Department of Pathology, Netherlands Cancer Institute
Classification: Benign. Review status: no assertion criteria provided. Collection method: clinical testing. Allele origin: germline. Affected: yes. Study: VKGL Data-share Consensus. Not counted in ClinVar's aggregate classification.

Department of Pathology and Laboratory Medicine, Sinai Health System
Classification: Likely benign for Malignant tumor of breast. Review status: no assertion criteria provided. Collection method: clinical testing. Allele origin: unknown. Affected: yes. Study: The Canadian Open Genetics Repository (COGR). Not counted in ClinVar's aggregate classification.
Comment: The ATM p.Gln1128Arg variant was identified in 8 of 9204 proband chromosomes (frequency: 0.000869) from individuals or families with breast cancer, CLL, Ataxia telangiectasia and was present in 2 of 5218 control chromosomes (frequency: 0.0003) from healthy individuals (Austen 2005, Jacquemin 2011, Skowronska 2012, Tavtigian 2009). The variant was also identified in dbSNP (ID: rs2229020) as With other allele, ClinVar (classified as benign by GenDx, Ambry Genetics, Invitae), Clinvitae (classified as benign by ClinVar, Invitae), Cosmic (pathogenic), MutDB, databases. The variant was not identified in LOVD 3.0, ATM-LOVD, databases. The variant was identified in control databases in 601(8 homozygous) of 276616 chromosomes at a frequency of 0.002 increasing the likelihood this could be a low frequency benign variant (Genome Aggregation Consortium Feb 27, 2017). The variant was identified in the following populations at a frequency greater than 1%: African in 528 of 24022 chromosomes (freq: 0.022). The p.Gln1128 residue is not conserved in mammals and computational analyses (PolyPhen-2, SIFT, AlignGVGD, BLOSUM, MutationTaster) provide inconsistent predictions regarding the impact to the protein; this information is not very predictive of pathogenicity. The variant occurs outside of the splicing consensus sequence and 1 of 5 in silico or computational prediction software programs (SpliceSiteFinder, MaxEntScan, NNSPLICE, GeneSplicer, HumanSpliceFinder) predict a greater than 10% difference in splicing; this is not very predictive of pathogenicity. The variant is located with the Armadillo-type fold functional domain increasing the likelihood that it may have clinical significance. In summary, based on the above information, the clinical significance of this variant cannot be determined with certainty at this time although we would lean towards a more benign role for this variant. This variant is classified as likely benign.

Joint Genome Diagnostic Labs from Nijmegen and Maastricht, Radboudumc and MUMC+
Classification: Benign. Review status: no assertion criteria provided. Collection method: clinical testing. Allele origin: germline. Affected: yes. Study: VKGL Data-share Consensus. Not counted in ClinVar's aggregate classification.

Laboratory of Diagnostic Genome Analysis, Leiden University Medical Center (LUMC)
Classification: Likely benign. Review status: no assertion criteria provided. Collection method: clinical testing. Allele origin: germline. Affected: yes. Study: VKGL Data-share Consensus. Not counted in ClinVar's aggregate classification.

Literature cited by the submitters: PubMed 11996792 (cited by Athena Diagnostics and Illumina Laboratory Services, Illumina); PubMed 12917204 (cited by Athena Diagnostics); PubMed 22071889 (cited by 3 submitters); PubMed 16014569 (cited by Athena Diagnostics); PubMed 24416720 (cited by Athena Diagnostics); PubMed 29906526 (cited by Athena Diagnostics); PubMed 22952040 (cited by Athena Diagnostics); PubMed 35078817 (cited by Athena Diagnostics); PubMed 28779002 (cited by Athena Diagnostics); PubMed 33747920 (cited by Athena Diagnostics); PubMed 31206626 (cited by Athena Diagnostics); PubMed 37349538 (cited by Athena Diagnostics); PubMed 36155879 (cited by Athena Diagnostics); PubMed 25122203 (cited by Athena Diagnostics and Counsyl); PubMed 25085752 (cited by Myriad Genetics, Inc.); PubMed 24728327 (cited by Eurofins Ntd Llc (ga) and ITMI).